The following is an entry in ClinVar:

NM_003719.5(PDE8B):c.1355C>T (p.Pro452Leu)

Gene: PDE8B (phosphodiesterase 8B; plus strand). Cytogenetic location: 5q13.3.
Variant type: single nucleotide variant.
Coding change: c.1355C>T on transcript NM_003719.5 (MANE Select); coding-DNA position 1355, C replaced by T.
Protein change: p.Pro452Leu; replaces proline 452 with leucine.
Molecular consequence: missense variant.
Genome position (GRCh38, 1-based): chr5:77,407,447, C>T. VCF-style: chr5-77407447-C-T. GRCh37 (hg19) VCF-style: chr5-76703272-C-T.
Other names: c.1352C>T, p.Pro451Leu (NM_001349748.3, NM_001349751.3); c.1418C>T, p.Pro473Leu (NM_001349749.3); c.1115C>T, p.Pro372Leu (NM_001349750.3); c.1049C>T, p.Pro350Leu (NM_001349752.3); c.983C>T, p.Pro328Leu (NM_001349753.2, NM_001376067.1, NM_001376068.1); c.1052C>T, p.Pro351Leu (NM_001376062.1, NM_001376072.1); c.1346C>T, p.Pro449Leu (NM_001376063.1); c.1205C>T, p.Pro402Leu (NM_001376064.1); and 12 more; short protein forms P231L, P234L, P254L, P303L, P304L, P324L, P328L, P331L.
Identifiers: ClinVar variation 1721391 (VCV001721391.6), dbSNP rs867488481, ClinGen allele CA121072226.

ClinVar aggregate classification (germline): Uncertain significance (1 of 4 stars; one submission).

Submission:

Labcorp Genetics (formerly Invitae), Labcorp
Classification: Uncertain significance. Last evaluated: 2022-10-10. Review status: criteria provided, single submitter. Criteria: Invitae Variant Classification Sherloc (09022015). Collection method: clinical testing. Allele origin: germline.
Comment: This variant is not present in population databases (gnomAD no frequency). In summary, the available evidence is currently insufficient to determine the role of this variant in disease. Therefore, it has been classified as a Variant of Uncertain Significance. Algorithms developed to predict the effect of missense changes on protein structure and function are either unavailable or do not agree on the potential impact of this missense change (SIFT: "Deleterious"; PolyPhen-2: "Probably Damaging"; Align-GVGD: "Class C0"). This variant has not been reported in the literature in individuals affected with PDE8B-related conditions. This sequence change replaces proline, which is neutral and non-polar, with leucine, which is neutral and non-polar, at codon 452 of the PDE8B protein (p.Pro452Leu).